The following is an entry in ClinVar:

ClinVar aggregate classification (germline): Pathogenic (1 of 4 stars; one submission).

Submission:

Athena Diagnostics
Classification: Pathogenic. Last evaluated: 2022-08-18. Review status: criteria provided, single submitter. Criteria: Athena Diagnostics Criteria. Collection method: clinical testing. Allele origin: unknown.
Comment: This variant is expected to result in the loss of a functional protein. Multiple unrelated individuals with DMD have been reported with similar deletions of exon 18-44. Similar variants have not been reported in large, multi-ethnic general populations (Genome Aggregation Database (gnomAD), Cambridge, MA (URL)).

Literature cited by the submitters: PubMed 31081998; PubMed 31705731; PubMed 22510846; PubMed 17854090; PubMed 34297739; PubMed 26968818; PubMed 19367636; PubMed 33101180; PubMed 28332368; PubMed 15684864; PubMed 29973226; PubMed 34327855; PubMed 27593222; PubMed 9800909; PubMed 19937601; PubMed 1618490; PubMed 16049303; PubMed 19084397; PubMed 22379338.

Single allele

Gene: DMD (dystrophin; minus strand). Cytogenetic location: Xp21.1.
Variant type: Deletion.
Identifiers: ClinVar variation 1807255 (VCV001807255.2).